The following is an entry in ClinVar:

NM_002470.4(MYH3):c.1261-3T>C

Gene: MYH3 (myosin heavy chain 3; minus strand). Cytogenetic location: 17p13.1.
Variant type: single nucleotide variant.
Coding change: c.1261-3T>C on transcript NM_002470.4 (MANE Select); 3 bases into the intron before coding-DNA position 1261, T replaced by C.
Molecular consequence: intron variant.
Genome position (GRCh38, 1-based): chr17:10,644,503, A>G on the plus strand (T>C on the coding strand, the complement: MYH3 is on the minus strand). VCF-style: chr17-10644503-A-G. GRCh37 (hg19) VCF-style: chr17-10547820-A-G.
Identifiers: ClinVar variation 3669688 (VCV003669688.2).

ClinVar aggregate classification (germline): Uncertain significance (1 of 4 stars; one submission).

gnomAD v4.1: 19 of 1,614,052 alleles (0.0012%); highest among the groups gnomAD compares: South Asian, 0.0044%; no homozygotes.

Submission:

Labcorp Genetics (formerly Invitae), Labcorp
Classification: Uncertain significance. Last evaluated: 2025-06-29. Review status: criteria provided, single submitter. Criteria: Invitae Variant Classification Sherloc (09022015). Collection method: clinical testing. Allele origin: germline.
Comment: This sequence change falls in intron 13 of the MYH3 gene. It does not directly change the encoded amino acid sequence of the MYH3 protein. It affects a nucleotide within the consensus splice site. This variant is present in population databases (rs753522046, gnomAD 0.007%). This variant has not been reported in the literature in individuals affected with MYH3-related conditions. ClinVar contains an entry for this variant (Variation ID: 3669688). Variants that disrupt the consensus splice site are a relatively common cause of aberrant splicing (PMID: 17576681, 9536098). Algorithms developed to predict the effect of sequence changes on RNA splicing suggest that this variant is not likely to affect RNA splicing. In summary, the available evidence is currently insufficient to determine the role of this variant in disease. Therefore, it has been classified as a Variant of Uncertain Significance.

Literature cited by the submitters: PubMed 17576681; PubMed 9536098.